The following is an entry in ClinVar:

NM_001267550.2(TTN):c.76952T>C (p.Val25651Ala)

Genes: TTN-AS1 (TTN antisense RNA 1; plus strand), TTN (titin; minus strand). Cytogenetic location: 2q31.2.
Variant type: single nucleotide variant.
Coding change: c.76952T>C on transcript NM_001267550.2 (MANE Select); coding-DNA position 76952, T replaced by C.
Protein change: p.Val25651Ala; replaces valine 25651 with alanine.
Molecular consequence: missense variant.
Genome position (GRCh38, 1-based): chr2:178,569,180, A>G on the plus strand (T>C on the coding strand, the complement: TTN is on the minus strand). VCF-style: chr2-178569180-A-G. GRCh37 (hg19) VCF-style: chr2-179433907-A-G.
Other names: p.V24010A:GTT>GCT; c.72029T>C, p.Val24010Ala (NM_001256850.1); c.49757T>C, p.Val16586Ala (NM_003319.4); c.69248T>C, p.Val23083Ala (NM_133378.4); c.50132T>C, p.Val16711Ala (NM_133432.3); c.50333T>C, p.Val16778Ala (NM_133437.4); c.76952T>C (NM_001267550.1); short protein forms V24010A, V25651A, V16586A, V16778A, V16711A, V23083A.
Identifiers: ClinVar variation 202875 (VCV000202875.10), dbSNP rs370768049, ClinGen allele CA310557.
Genomic context (GRCh38, chr2:178,569,180, plus strand): 5'-TAACTGCAACCTTCTTGGAGCTGATCGATTTTCCAAGAATTCTTATGGCAGTTAGTTACA[A>G]CAGCAGCATATGATTTTCTTGTGGCTTCACGTTTCTCAACAATGTAATTTTTTATTTTGG-3'
Protein context (NP_001254479.2, residues 25641-25661): REATRKSYAA[Val25651Ala]VTNCHKNSWK

ClinVar aggregate classification (germline): Conflicting classifications of pathogenicity. Review status: criteria provided, conflicting classifications (1 of 4 stars). 6 submissions from 6 submitters: Uncertain significance (5); Likely benign (1). Last evaluated 2026-04-01.

Conditions:
Autosomal recessive limb-girdle muscular dystrophy type 2J (LGMDR10). Also called: Limb-girdle muscular dystrophy, type 2J; MUSCULAR DYSTROPHY, LIMB-GIRDLE, AUTOSOMAL RECESSIVE 10. Identifiers: Orphanet 140922, MedGen C1837342, MONDO:0012127, OMIM 608807.
Dilated cardiomyopathy 1G (CMD1G). Identifiers: Orphanet 154, MedGen C1858763, MONDO:0011400, OMIM 604145.
Cardiomyopathy (CMYO). Also called: Cardiomyopathies. Identifiers: Orphanet 167848, MedGen C0878544, MONDO:0004994, HP:0001638. Inheritance: Various modes of inheritance.

Allele frequency attached by ClinVar (database versions not stated): TOPMed below 0.00001; gnomAD 0.00001; gnomAD exomes 0.00001 and 0.00002; ExAC 0.00004; ESP Exome Variant Server 0.00008.
gnomAD v4.1: 12 of 1,612,074 alleles (0.00074%); highest among the groups gnomAD compares: Middle Eastern, 0.049%; no homozygotes.

Submissions (6):

CeGaT Center for Human Genetics Tuebingen
Classification: Uncertain significance. Last evaluated: 2026-04-01. Review status: criteria provided, single submitter. Criteria: CeGaT Center For Human Genetics Tuebingen Variant Classification Criteria Version 2. Collection method: clinical testing. Allele origin: germline. Affected: yes. Observed: 1 variant allele.
Comment: TTN: PM2

GeneDx
Classification: Uncertain significance. Last evaluated: 2024-05-30. Review status: criteria provided, single submitter. Criteria: GeneDx Variant Classification Process June 2021. Collection method: clinical testing. Allele origin: germline. Affected: yes.
Comment: Not observed at significant frequency in large population cohorts (gnomAD); Missense variant in a gene in which most reported pathogenic variants are truncating/loss of function; Has not been previously published as pathogenic or benign to our knowledge

Athena Diagnostics
Classification: Uncertain significance. Last evaluated: 2022-09-27. Review status: criteria provided, single submitter. Criteria: Athena Diagnostics Criteria. Collection method: clinical testing. Allele origin: unknown.
Comment: Available data are insufficient to determine the clinical significance of the variant at this time. The frequency of this variant in the general population is uninformative in assessment of its pathogenicity. Computational tools disagree on the variant's effect on normal protein function.

Blueprint Genetics
Classification: Likely benign. Last evaluated: 2021-09-06. Review status: criteria provided, single submitter. Criteria: ACMG Guidelines, 2015. Collection method: clinical testing. Allele origin: germline.

CHEO Genetics Diagnostic Laboratory, Children's Hospital of Eastern Ontario
Classification: Uncertain significance for Cardiomyopathy. Last evaluated: 2017-11-28. Review status: criteria provided, single submitter. Criteria: ACMG Guidelines, 2015. Collection method: clinical testing. Allele origin: germline.

Labcorp Genetics (formerly Invitae), Labcorp
Classification: Uncertain significance for Dilated cardiomyopathy 1G; Autosomal recessive limb-girdle muscular dystrophy type 2J. Last evaluated: 2016-04-12. Review status: criteria provided, single submitter. Criteria: Invitae Variant Classification Sherloc (09022015). Collection method: clinical testing. Allele origin: germline.